The following is an entry in ClinVar:

ClinVar aggregate classification (germline): Uncertain significance (1 of 4 stars; one submission).

Submission:

GeneDx
Classification: Uncertain significance. Last evaluated: 2021-09-27. Review status: criteria provided, single submitter. Criteria: GeneDx Variant Classification Process June 2021. Collection method: clinical testing. Allele origin: germline. Affected: yes.
Comment: In silico analysis supports that this missense variant does not alter protein structure/function; Has not been previously published as pathogenic or benign to our knowledge

NM_000142.5(FGFR3):c.350T>C (p.Val117Ala)

Gene: FGFR3 (fibroblast growth factor receptor 3; plus strand). Cytogenetic location: 4p16.3.
Variant type: single nucleotide variant.
Coding change: c.350T>C on transcript NM_000142.5 (MANE Select); coding-DNA position 350, T replaced by C.
Protein change: p.Val117Ala; replaces valine 117 with alanine.
Molecular consequence: missense variant. On other transcripts: non-coding transcript variant (1).
Genome position (GRCh38, 1-based): chr4:1,799,494, T>C. VCF-style: chr4-1799494-T-C. GRCh37 (hg19) VCF-style: chr4-1801221-T-C.
Other names: c.350T>C, p.Val117Ala (NM_001163213.2, NM_001354809.2, NM_001354810.2 and 1 more transcripts); short protein forms V117A.
Identifiers: ClinVar variation 1526366 (VCV001526366.2), dbSNP rs1475035118, ClinGen allele CA355973237.
Genomic context (GRCh38, chr4:1,799,494, plus strand): 5'-TGAATGCCTCCCACGAGGACTCCGGGGCCTACAGCTGCCGGCAGCGGCTCACGCAGCGCG[T>C]ACTGTGCCACTTCAGTGTGCGGGTGACAGGTGAGCTCTGGGGCCACGCCAGCTACAGAAA-3'
Protein context (NP_000133.1, residues 107-127): YSCRQRLTQR[Val117Ala]LCHFSVRVTD